The following is an entry in ClinVar:

NM_001244008.2(KIF1A):c.52C>T (p.Arg18Trp)

Gene: KIF1A (kinesin family member 1A; minus strand). Cytogenetic location: 2q37.3.
Variant type: single nucleotide variant.
Coding change: c.52C>T on transcript NM_001244008.2 (MANE Select); coding-DNA position 52, C replaced by T.
Protein change: p.Arg18Trp; replaces arginine 18 with tryptophan.
Molecular consequence: missense variant.
Genome position (GRCh38, 1-based): chr2:240,797,701, G>A on the plus strand (C>T on the coding strand, the complement: KIF1A is on the minus strand). VCF-style: chr2-240797701-G-A. GRCh37 (hg19) VCF-style: chr2-241737118-G-A.
Other names: c.52C>T, p.Arg18Trp (NM_001320705.2, NM_001330289.2, NM_001330290.2 and 20 more transcripts); short protein forms R18W.
Identifiers: ClinVar variation 1021432 (VCV001021432.9), dbSNP rs2056556566, ClinGen allele CA351315874.
Genomic context (GRCh38, chr2:240,797,701, plus strand): 5'-ACTCACTGGTGGTGCTTCCAGACATCTGAATGATGCACTTGGAGTCACGGCTCATTTCCC[G>A]GGAATTGAAGGGGCGGACCCGCACCGCCACCTTCACCGAAGCCCCGGCCATCTCTGTGGC-3'
Protein context (NP_001230937.1, residues 8-28): VAVRVRPFNS[Arg18Trp]EMSRDSKCII

ClinVar aggregate classification (germline): Uncertain significance (1 of 4 stars; one submission).

Conditions:
Neuropathy, hereditary sensory, type 2C. Also called: Hereditary sensory and autonomic neuropathy type IIC; KIF1A-Related HSAN2 (HSAN2C). Identifiers: Orphanet 970, MedGen C3280168, MONDO:0013634, OMIM 614213.
Intellectual disability, autosomal dominant 9 (NESCAVS). Also called: KIF1A-Related Neurodevelopmental Disorder; NESCAV SYNDROME. Identifiers: Orphanet 662367, MedGen C5393830, MONDO:0013656, OMIM 614255.
Hereditary spastic paraplegia 30. Identifiers: Orphanet 101010, MedGen C5235139, MONDO:0012476.

Allele frequency attached by ClinVar (database versions not stated): TOPMed below 0.00001; gnomAD 0.00001; gnomAD exomes below 0.00001.
gnomAD v4.1: 4 of 1,612,544 alleles (0.00025%); highest among the groups gnomAD compares: East Asian, 0.0022%; no homozygotes.

Submission:

Labcorp Genetics (formerly Invitae), Labcorp
Classification: Uncertain significance for Hereditary spastic paraplegia 30; Neuropathy, hereditary sensory, type 2C; Intellectual disability, autosomal dominant 9. Last evaluated: 2023-11-10. Review status: criteria provided, single submitter. Criteria: Invitae Variant Classification Sherloc (09022015). Collection method: clinical testing. Allele origin: germline.
Comment: This sequence change replaces arginine, which is basic and polar, with tryptophan, which is neutral and slightly polar, at codon 18 of the KIF1A protein (p.Arg18Trp). This variant is not present in population databases (gnomAD no frequency). This missense change has been observed in individual(s) with cerebral cortical malformations (PMID: 25140959). ClinVar contains an entry for this variant (Variation ID: 1021432). Advanced modeling of protein sequence and biophysical properties (such as structural, functional, and spatial information, amino acid conservation, physicochemical variation, residue mobility, and thermodynamic stability) performed at Invitae indicates that this missense variant is expected to disrupt KIF1A protein function with a positive predictive value of 95%. Experimental studies have shown that this missense change affects KIF1A function (PMID: 26752160). In summary, the available evidence is currently insufficient to determine the role of this variant in disease. Therefore, it has been classified as a Variant of Uncertain Significance.

Literature cited by the submitters: PubMed 25140959; PubMed 26752160.